The following is an entry in ClinVar:

ClinVar aggregate classification (germline): Uncertain significance (1 of 4 stars; one submission).

Allele frequency attached by ClinVar (database versions not stated): TOPMed below 0.00001; gnomAD exomes 0.00001 and 0.00002; ExAC 0.00003.
gnomAD v4.1: 7 of 1,612,032 alleles (0.00043%); highest among the groups gnomAD compares: Non-Finnish European, 0.00059%; no homozygotes.

Submission:

GeneDx
Classification: Uncertain significance. Last evaluated: 2019-04-12. Review status: criteria provided, single submitter. Criteria: GeneDx Variant Classification Process June 2021. Collection method: clinical testing. Allele origin: germline. Affected: yes.
Comment: Has not been previously published as pathogenic or benign to our knowledge

NM_001267550.2(TTN):c.19769C>T (p.Thr6590Ile)

Genes: TTN (titin; minus strand), LOC126806429 (BRD4-independent group 4 enhancer GRCh37_chr2:179591393-179592592; plus strand). Cytogenetic location: 2q31.2.
Variant type: single nucleotide variant.
Coding change: c.19769C>T on transcript NM_001267550.2 (MANE Select); coding-DNA position 19769, C replaced by T.
Protein change: p.Thr6590Ile; replaces threonine 6590 with isoleucine.
Molecular consequence: missense variant. On other transcripts: intron variant (3).
Genome position (GRCh38, 1-based): chr2:178,727,809, G>A on the plus strand (C>T on the coding strand, the complement: TTN is on the minus strand). VCF-style: chr2-178727809-G-A. GRCh37 (hg19) VCF-style: chr2-179592536-G-A.
Other names: c.18818C>T, p.Thr6273Ile (NM_001256850.1); c.16037C>T, p.Thr5346Ile (NM_133378.4); c.13282+10273C>T (NM_003319.4); c.13858+10273C>T (NM_133437.4); c.13657+10273C>T (NM_133432.3); short protein forms T5346I, T6273I, T6590I.
Identifiers: ClinVar variation 1305213 (VCV001305213.2), dbSNP rs760473000, ClinGen allele CA2001340.